The following is an entry in ClinVar:

ClinVar aggregate classification (germline): Pathogenic. Review status: reviewed by expert panel (3 of 4 stars). 4 submissions from 4 submitters: Pathogenic (1). 3 of the submissions do not count toward it. Last evaluated 2025-11-29.

Conditions:
PAH-related disorder. Also called: PAH-related condition.
Phenylketonuria (PKU). Also called: Phenylketonuria (PKU); FOLLING DISEASE; OLIGOPHRENIA PHENYLPYRUVICA; Phenylketonurias. Identifiers: Orphanet 716, MedGen C0031485, MONDO:0009861, OMIM 261600. Disease mechanism: loss of function.

Submissions (4):

ClinGen PAH Variant Curation Expert Panel
Classification: Pathogenic for Phenylketonuria. Last evaluated: 2025-11-29. Review status: reviewed by expert panel. Criteria: ClinGen PAH ACMG Specifications v1. Collection method: curation. Allele origin: germline. Inheritance: Autosomal recessive inheritance.
Comment: The c.715G>A variant in PAH is a missense variant predicted to cause substitution of glycine by serine at amino acid 239 (p.Gly239Ser). At least one patient with this variant displayed plasma phenylalanine concentration persistently above 120umol/L (2mg/dL) AND normal urine pterins and normal DHPR activity excluded a defect of BH4 cofactor metabolism, which is highly specific for PAH deficiency (PP4_Moderate, PMID: 7833954, 9634518, 15503242, 26210745). Of those individuals, four were compound heterozygous for the variant and distinct pathogenic or likely pathogenic variants [unknown phase] (1.75 PM3 points). This variant is absent from gnomAD v4.1.0 (PM2_Supporting). The computational predictor REVEL gives a score of 0.959, which meets the threshold of 0.932, evidence that correlates with strong impact to PAH function (PP3_Strong). Another missense variant c.716G>A (p.Gly239Asp) [ClinVar Variation ID: 102798] in the same codon has been classified as pathogenic for PAH deficiency by the ClinGen PAH Variant Curation Expert Panel (PM5). In summary, this variant meets criteria to be classified as pathogenic for autosomal recessive PAH deficiency based on the ACMG/AMP criteria applied, as specified by the ClinGen PAH Variant Curation Expert Panel: PP4_Moderate, PM2_supporting, PM3, PM5, PP3_strong (PAH VCEP specifications version 2.0.0; approved July 16, 2024).

Natera, Inc.
Classification: Likely pathogenic for Phenylketonuria. Last evaluated: 2025-12-05. Review status: criteria provided, single submitter. Criteria: Natera Variant Classification Schema (03/2026). Collection method: clinical testing. Allele origin: germline. Not counted in ClinVar's aggregate classification.
Comment: The c.715G>A variant in PAH is a missense variant predicted to cause substitution of glycine to serine at amino acid 239. This variant is rare in the general population with a frequency below the threshold expected for the associated phenotype(s). This variant has been observed in one or more individuals affected with the associated recessive disease, as either homozygous or compound heterozygous with a second variant (PMID: 32668217). A different variant at the same position has been determined to be Pathogenic or Likely Pathogenic. Computational prediction algorithms indicate this variant is likely to affect gene or protein function. Given the available evidence, this variant is classified as Likely Pathogenic.

Blueprint Genetics
Classification: Pathogenic for PAH-related disorders. Last evaluated: 2022-11-04. Review status: criteria provided, single submitter. Criteria: ACMG Guidelines, 2015. Collection method: clinical testing. Allele origin: germline. Affected: yes. Observed: 1 variant allele. Not counted in ClinVar's aggregate classification.

DeBelle Laboratory for Biochemical Genetics, MUHC/MCH RESEARCH INSTITUTE
No classification provided. Review status: no classification provided. Collection method: not provided. Allele origin: not provided. Not counted in ClinVar's aggregate classification.

Literature cited by the submitters: PubMed 7833954 (cited by ClinGen PAH Variant Curation Expert Panel); PubMed 32668217 (cited by Natera, Inc.).

NM_000277.3(PAH):c.715G>A (p.Gly239Ser)

Gene: PAH (phenylalanine hydroxylase; minus strand). Cytogenetic location: 12q23.2.
Variant type: single nucleotide variant.
Coding change: c.715G>A on transcript NM_000277.3 (MANE Select); coding-DNA position 715, G replaced by A.
Protein change: p.Gly239Ser; replaces glycine 239 with serine.
Molecular consequence: missense variant.
Genome position (GRCh38, 1-based): chr12:102,852,942, C>T on the plus strand (G>A on the coding strand, the complement: PAH is on the minus strand). VCF-style: chr12-102852942-C-T. GRCh37 (hg19) VCF-style: chr12-103246720-C-T.
Other names: NM_000277.1(PAH):c.715G>A; c.715G>A, p.Gly239Ser (NM_001354304.2); c.715G>A (NM_000277.2); short protein forms G239S.
Identifiers: ClinVar variation 102797 (VCV000102797.3), dbSNP rs62517178, ClinGen allele CA229706.
Genomic context (GRCh38, chr12:102,852,942, plus strand): 5'-CCAGGCCACCCAAGAAATCCCGAGAGGAAAGCAGGCCAGCCACAGGTCGGAGGCGGAAAC[C>T]AGTGCAAGCTGGGATGAAAAGAAGAAAGAAAACTCAAAGCTCATCACCACTGAGTCAGAG-3'
Protein context (NP_000268.1, residues 229-249): DVSQFLQTCT[Gly239Ser]FRLRPVAGLL